The following is an entry in ClinVar:

ClinVar aggregate classification (germline): Uncertain significance (1 of 4 stars; one submission).

Allele frequency attached by ClinVar (database versions not stated): ExAC 0.00013; gnomAD exomes 0.00015; gnomAD 0.00016 and 0.00017; ESP Exome Variant Server 0.00023; TOPMed 0.00030.

Submission:

Labcorp Genetics (formerly Invitae), Labcorp
Classification: Uncertain significance. Last evaluated: 2022-07-19. Review status: criteria provided, single submitter. Criteria: Invitae Variant Classification Sherloc (09022015). Collection method: clinical testing. Allele origin: germline.
Comment: In summary, the available evidence is currently insufficient to determine the role of this variant in disease. Therefore, it has been classified as a Variant of Uncertain Significance. Algorithms developed to predict the effect of missense changes on protein structure and function output the following: SIFT: "Not Available"; PolyPhen-2: "Benign"; Align-GVGD: "Not Available". The glutamine amino acid residue is found in multiple mammalian species, which suggests that this missense change does not adversely affect protein function. ClinVar contains an entry for this variant (Variation ID: 1414556). This variant has not been reported in the literature in individuals affected with CTSB-related conditions. This variant is present in population databases (rs151331859, gnomAD 0.06%), and has an allele count higher than expected for a pathogenic variant. This sequence change replaces arginine, which is basic and polar, with glutamine, which is neutral and polar, at codon 18 of the CTSB protein (p.Arg18Gln).

NM_001908.5(CTSB):c.53G>A (p.Arg18Gln)

Genes: CTSB (cathepsin B), LOC121268921 (Sharpr-MPRA regulatory region 10233). Cytogenetic location: 8p23.1.
Variant type: single nucleotide variant.
Coding change: c.53G>A on transcript NM_001908.5 (MANE Select); coding-DNA position 53, G replaced by A.
Protein change: p.Arg18Gln; replaces arginine 18 with glutamine.
Molecular consequence: missense variant. On other transcripts: 5 prime UTR variant (1).
Genome position (GRCh38, 1-based): chr8:11,853,402, C>T on the plus strand (G>A on the coding strand, the complement: CTSB is on the minus strand). VCF-style: chr8-11853402-C-T. GRCh37 (hg19) VCF-style: chr8-11710911-C-T.
Other names: c.-201G>A (NM_001317237.2); c.53G>A, p.Arg18Gln (NM_001384714.1, NM_001384723.1, NM_001384724.1 and 8 more transcripts); short protein forms R18Q.
Identifiers: ClinVar variation 1414556 (VCV001414556.6), dbSNP rs151331859, ClinGen allele CA4633215.